The following is an entry in ClinVar:

ClinVar aggregate classification (germline): Conflicting classifications of pathogenicity. Review status: criteria provided, conflicting classifications (1 of 4 stars). 5 submissions from 5 submitters: Uncertain significance (1); Likely benign (4). Last evaluated 2025-12-11.

Conditions:
Mitochondrial DNA depletion syndrome 1. Also called: Mitochondrial neurogastrointestinal encephalomyopathy syndrome; Mitochondrial Neurogastrointestinal Encephalopathy Disease; MITOCHONDRIAL NEUROGASTROINTESTINAL ENCEPHALOPATHY SYNDROME, TYMP-RELATED; MNGIE, TYMP-RELATED; POLIP SYNDROME; POLYNEUROPATHY, OPHTHALMOPLEGIA, LEUKOENCEPHALOPATHY, AND INTESTINAL PSEUDOOBSTRUCTION. Identifiers: Orphanet 298, MedGen C4551995, MONDO:0011283, OMIM 603041.
TYMP-related disorder. Also called: TYMP-related condition.

Allele frequency attached by ClinVar (database versions not stated): 1000 Genomes Project 30x 0.00016; ExAC 0.00025; gnomAD 0.00008; TOPMed 0.00015; gnomAD exomes 0.00005 and 0.00007.
gnomAD v4.1: 85 of 1,541,616 alleles (0.0055%); highest among the groups gnomAD compares: African/African-American, 0.007%; no homozygotes.

Submissions (5):

Labcorp Genetics (formerly Invitae), Labcorp
Classification: Likely benign. Last evaluated: 2025-12-11. Review status: criteria provided, single submitter. Criteria: Invitae Variant Classification Sherloc (09022015). Collection method: clinical testing. Allele origin: germline.

Blueprint Genetics
Classification: Likely benign. Last evaluated: 2024-11-08. Review status: criteria provided, single submitter. Criteria: ACMG Guidelines, 2015. Collection method: clinical testing. Allele origin: germline.

PreventionGenetics, part of Exact Sciences
Classification: Likely benign for TYMP-related condition. Last evaluated: 2024-10-23. Review status: criteria provided, single submitter. Criteria: ACMG Guidelines, 2015. Collection method: clinical testing. Allele origin: germline.
Comment: This variant is classified as likely benign based on ACMG/AMP sequence variant interpretation guidelines (Richards et al. 2015 PMID: 25741868, with internal and published modifications).

CeGaT Center for Human Genetics Tuebingen
Classification: Likely benign. Last evaluated: 2022-09-01. Review status: criteria provided, single submitter. Criteria: CeGaT Center For Human Genetics Tuebingen Variant Classification Criteria Version 2. Collection method: clinical testing. Allele origin: germline. Affected: yes. Observed: 1 variant allele.
Comment: TYMP: BP4, BP7

Illumina Laboratory Services, Illumina
Classification: Uncertain significance for Mitochondrial DNA depletion syndrome 1. Last evaluated: 2018-01-12. Review status: criteria provided, single submitter. Criteria: ICSL Variant Classification Criteria 13 December 2019. Collection method: clinical testing. Allele origin: germline.

NM_001953.5(TYMP):c.1137G>A (p.Glu379=)

Genes: SCO2 (synthesis of cytochrome C oxidase 2; minus strand), TYMP (thymidine phosphorylase; minus strand), LOC130067862 (ATAC-STARR-seq lymphoblastoid silent region 13986; plus strand). Cytogenetic location: 22q13.33.
Variant type: single nucleotide variant.
Coding change: c.1137G>A on transcript NM_001953.5 (MANE Select); coding-DNA position 1137, G replaced by A.
Protein change: p.Glu379=; no amino-acid change (glutamic acid 379 retained).
Molecular consequence: synonymous variant. On other transcripts: 5 prime UTR variant (1).
Genome position (GRCh38, 1-based): chr22:50,526,268, C>T on the plus strand (G>A on the coding strand, the complement: TYMP is on the minus strand). VCF-style: chr22-50526268-C-T. GRCh37 (hg19) VCF-style: chr22-50964697-C-T.
Other names: c.1137G>A, p.Glu379= (NM_001113755.3, NM_001113756.3, NM_001257988.1 and 1 more transcripts); c.-36G>A (NM_001169109.2).
Identifiers: ClinVar variation 342139 (VCV000342139.44), dbSNP rs764142194, ClinGen allele CA10321479.
Genomic context (GRCh38, chr22:50,526,268, plus strand): 5'-GGCGGAGGCGGAAGGACGGGGACTCCCCCGACGCTCACCATCTGCGGGCGCCAGCAGCTC[C>T]TCCTGCTCCCGGGCGCGAGGCAGCAGCTGCCGGCGTTCTGCGGGACTTCCCGAGCACAGG-3'
Protein context (NP_001944.1, residues 369-389): RQLLPRAREQ[Glu379=]ELLAPADGTV